The following is an entry in ClinVar:

ClinVar aggregate classification (germline): Pathogenic (1 of 4 stars; one submission).

Conditions:
Primary ciliary dyskinesia. Also called: Ciliary dyskinesia. Identifiers: Orphanet 244, MedGen C0008780, MONDO:0016575, HP:0012265.

Submission:

Labcorp Genetics (formerly Invitae), Labcorp
Classification: Pathogenic for Primary ciliary dyskinesia. Last evaluated: 2026-01-27. Review status: criteria provided, single submitter. Criteria: Invitae Variant Classification Sherloc (09022015). Collection method: clinical testing. Allele origin: germline.
Comment: This sequence change creates a premature translational stop signal (p.Lys4484Argfs*12) in the DNAH11 gene. While this is not anticipated to result in nonsense mediated decay, it is expected to disrupt the last 33 amino acid(s) of the DNAH11 protein. This variant is not present in population databases (gnomAD no frequency). This variant has not been reported in the literature in individuals affected with DNAH11-related conditions. This variant disrupts a region of the DNAH11 protein in which other variant(s) (p.Trp4505Serfs*10) have been determined to be pathogenic (internal data). This suggests that this is a clinically significant region of the protein, and that variants that disrupt it are likely to be disease-causing. For these reasons, this variant has been classified as Pathogenic.

NM_001277115.2(DNAH11):c.13422_13450dup (p.Lys4484fs)

Genes: CDCA7L (cell division cycle associated 7 like; minus strand), DNAH11 (dynein axonemal heavy chain 11; plus strand). Cytogenetic location: 7p15.3.
Variant type: Duplication.
Coding change: c.13422_13450dup on transcript NM_001277115.2 (MANE Select); coding-DNA positions 13422 to 13450, 29 bases duplicated (GACCTACGAGTGCCCTGTGTATAGAACCA).
Protein change: p.Lys4484fs; shifts the reading frame from lysine 4484.
Molecular consequence: frameshift variant. On other transcripts: 3 prime UTR variant (3).
Genome position (GRCh38, 1-based): chr7:21,901,125-21,901,153, GACCTACGAGTGCCCTGTGTATAGAACCA duplicated; duplicating any 29 consecutive bases within chr7:21,901,123-21,901,153 gives the same sequence; the c. name uses the placement nearest the transcript's 3' end. VCF-style (leftmost placement, unchanged base first): chr7-21901122-A-ACAGACCTACGAGTGCCCTGTGTATAGAAC. GRCh37 (hg19) VCF-style: chr7-21940740-A-ACAGACCTACGAGTGCCCTGTGTATAGAAC.
Other names: c.*1171_*1199dup (NM_001127370.3, NM_001127371.3, NM_018719.5); short protein forms K4484fs.
Identifiers: ClinVar variation 4736310 (VCV004736310.1).